The following is an entry in ClinVar:

ClinVar aggregate classification (germline): Uncertain significance (1 of 4 stars; one submission).

Submission:

Ambry Genetics
Classification: Uncertain significance. Last evaluated: 2021-07-16. Review status: criteria provided, single submitter. Criteria: Ambry Variant Classification Scheme 2023. Collection method: clinical testing. Allele origin: germline.
Comment: The p.V882L variant (also known as c.2644G>T), located in coding exon 13 of the NPAT gene, results from a G to T substitution at nucleotide position 2644. The valine at codon 882 is replaced by leucine, an amino acid with highly similar properties. This amino acid position is conserved. In addition, this alteration is predicted to be tolerated by in silico analysis. Since supporting evidence is limited at this time, the clinical significance of this alteration remains unclear.

NM_002519.3(NPAT):c.2644G>T (p.Val882Leu)

Gene: NPAT (nuclear protein, coactivator of histone transcription; minus strand). Cytogenetic location: 11q22.3.
Variant type: single nucleotide variant.
Coding change: c.2644G>T on transcript NM_002519.3 (MANE Select); coding-DNA position 2644, G replaced by T.
Protein change: p.Val882Leu; replaces valine 882 with leucine.
Molecular consequence: missense variant.
Genome position (GRCh38, 1-based): chr11:108,172,340, C>A on the plus strand (G>T on the coding strand, the complement: NPAT is on the minus strand). VCF-style: chr11-108172340-C-A. GRCh37 (hg19) VCF-style: chr11-108043067-C-A.
Other names: c.2644G>T, p.Val882Leu (NM_001321307.1); short protein forms V882L.
Identifiers: ClinVar variation 1794234 (VCV001794234.2), dbSNP rs2496716485, ClinGen allele CA382512536.